The following is an entry in ClinVar:

NM_001253852.3(AP4B1):c.1345A>T (p.Arg449Ter)

Genes: AP4B1-AS1 (AP4B1 antisense RNA 1; plus strand), AP4B1 (adaptor related protein complex 4 subunit beta 1; minus strand). Cytogenetic location: 1p13.2.
Variant type: single nucleotide variant.
Coding change: c.1345A>T on transcript NM_001253852.3 (MANE Select); coding-DNA position 1345, A replaced by T.
Protein change: p.Arg449Ter; replaces arginine 449 with a stop codon.
Molecular consequence: nonsense.
Genome position (GRCh38, 1-based): chr1:113,896,423, T>A on the plus strand (A>T on the coding strand, the complement: AP4B1 is on the minus strand). VCF-style: chr1-113896423-T-A. GRCh37 (hg19) VCF-style: chr1-114439045-T-A.
Other names: c.1048A>T, p.Arg350Ter (NM_001253853.3); c.841A>T, p.Arg281Ter (NM_001308312.2); c.1345A>T, p.Arg449Ter (NM_006594.5); short protein forms R449*, R281*, R350*.
Identifiers: ClinVar variation 521444 (VCV000521444.7), dbSNP rs142209254, ClinGen allele CA1015805.

ClinVar aggregate classification (germline): Pathogenic. Review status: criteria provided, multiple submitters, no conflicts (2 of 4 stars). 5 submissions from 5 submitters: Pathogenic (4). 1 of the submissions does not count toward it. Last evaluated 2026-03-03.

Conditions:
Spastic paraplegia. Identifiers: MedGen C0037772, HP:0001258.
Hereditary spastic paraplegia 47. Also called: Spastic paraplegia 47, autosomal recessive; CEREBRAL PALSY, SPASTIC QUADRIPLEGIC, 5; adaptor protein 4 (AP-4) deficiency syndrome. Identifiers: Orphanet 280763, MedGen C3279738, MONDO:0013551, OMIM 614066.
Inborn genetic diseases. Identifiers: MedGen C0950123, MeSH D030342.

Allele frequency attached by ClinVar (database versions not stated): ExAC 0.00001; gnomAD 0.00002; ESP Exome Variant Server 0.00008; gnomAD exomes below 0.00001; TOPMed 0.00004.
gnomAD v4.1: 7 of 1,614,094 alleles (0.00043%); highest among the groups gnomAD compares: African/African-American, 0.008%; no homozygotes.

Submissions (5):

GeneDx
Classification: Pathogenic. Last evaluated: 2026-03-03. Review status: criteria provided, single submitter. Criteria: GeneDx Variant Classification Process June 2021. Collection method: clinical testing. Allele origin: germline.
Comment: Nonsense variant predicted to result in protein truncation or nonsense mediated decay in a gene for which loss of function is a known mechanism of disease; Not observed at significant frequency in large population cohorts (gnomAD); This variant is associated with the following publications: (PMID: 31525725, 31915823, 35217685, 38233389, 34729478, 39358605, 29193663)

Department of Pathology and Laboratory Medicine, Sinai Health System
Classification: Pathogenic for Hereditary spastic paraplegia 47. Last evaluated: 2023-08-22. Review status: criteria provided, single submitter. Criteria: ACMG Guidelines, 2015. Collection method: research. Allele origin: germline.

Genetic Foundation of Khorasan Razavi (GFKR)
Classification: Pathogenic for Hereditary spastic paraplegia 47. Last evaluated: 2022-09-12. Review status: criteria provided, single submitter. Criteria: ACMG Guidelines, 2015. Collection method: clinical testing. Allele origin: inherited. Inheritance: Autosomal recessive inheritance. Affected: yes. Observed: 1 homozygote.
Comment: This variant has been previously submitted in independent affected individuals and classified as pathogenic (Department of Pathology and Laboratory Medicine, Sinai Health System, 2025; and Ambry Genetics, 2020), supporting its clinical relevance. It is absent from population databases, consistent with the rarity expected for a pathogenic allele. The variant affects a canonical splice acceptor site and is predicted to result in loss of function in a gene where loss of function is an established disease mechanism. Taken together, these criteria support a pathogenic classification according to ACMG/AMP guidelines.

Ambry Genetics
Classification: Pathogenic for Inborn genetic diseases. Last evaluated: 2016-11-30. Review status: criteria provided, single submitter. Criteria: Ambry exome assertion method (8-5-2015). Collection method: clinical testing. Allele origin: germline. Affected: yes. Observed: 1 variant allele.

Yale Center for Mendelian Genomics, Yale University
Classification: Likely pathogenic for Spastic paraplegia. Last evaluated: 2020-10-01. Review status: no assertion criteria provided. Collection method: literature only. Allele origin: germline. Affected: yes. Observed: 2 compound heterozygotes. Study: Yale Center for Mendelian Genomics. Not counted in ClinVar's aggregate classification.

Literature cited by the submitters: PubMed 32979048 (cited by Yale Center for Mendelian Genomics, Yale University).